The following is an entry in ClinVar:

ClinVar aggregate classification (germline): Uncertain significance. Review status: criteria provided, multiple submitters, no conflicts (2 of 4 stars). 2 submissions from 2 submitters: Uncertain significance (2). Last evaluated 2022-06-03.

Conditions:
Inborn genetic diseases. Identifiers: MedGen C0950123, MeSH D030342.

Allele frequency attached by ClinVar (database versions not stated): gnomAD 0.00002; TOPMed 0.00002; ExAC 0.00003; ESP Exome Variant Server 0.00016.
gnomAD v4.1: 94 of 1,613,682 alleles (0.0058%); highest among the groups gnomAD compares: Non-Finnish European, 0.0078%; no homozygotes.

Submissions (2):

Ambry Genetics
Classification: Uncertain significance for Inborn genetic diseases. Last evaluated: 2022-06-03. Review status: criteria provided, single submitter. Criteria: Ambry Variant Classification Scheme 2023. Collection method: clinical testing. Allele origin: germline.

Labcorp Genetics (formerly Invitae), Labcorp
Classification: Uncertain significance. Last evaluated: 2022-05-03. Review status: criteria provided, single submitter. Criteria: Invitae Variant Classification Sherloc (09022015). Collection method: clinical testing. Allele origin: germline.
Comment: This sequence change replaces leucine, which is neutral and non-polar, with methionine, which is neutral and non-polar, at codon 473 of the PCLO protein (p.Leu473Met). This variant is present in population databases (rs373467265, gnomAD 0.005%). This variant has not been reported in the literature in individuals affected with PCLO-related conditions. Algorithms developed to predict the effect of missense changes on protein structure and function are either unavailable or do not agree on the potential impact of this missense change (SIFT: "Deleterious"; PolyPhen-2: "Possibly Damaging"; Align-GVGD: "Class C0"). In summary, the available evidence is currently insufficient to determine the role of this variant in disease. Therefore, it has been classified as a Variant of Uncertain Significance.

NM_033026.6(PCLO):c.1417C>A (p.Leu473Met)

Gene: PCLO (piccolo presynaptic cytomatrix protein; minus strand). Cytogenetic location: 7q21.11.
Variant type: single nucleotide variant.
Coding change: c.1417C>A on transcript NM_033026.6 (MANE Select); coding-DNA position 1417, C replaced by A.
Protein change: p.Leu473Met; replaces leucine 473 with methionine.
Molecular consequence: missense variant.
Genome position (GRCh38, 1-based): chr7:83,155,224, G>T on the plus strand (C>A on the coding strand, the complement: PCLO is on the minus strand). VCF-style: chr7-83155224-G-T. GRCh37 (hg19) VCF-style: chr7-82784540-G-T.
Other names: c.1417C>A, p.Leu473Met (NM_014510.3); short protein forms L473M.
Identifiers: ClinVar variation 1988285 (VCV001988285.2), dbSNP rs373467265, ClinGen allele CA4321467.
Genomic context (GRCh38, chr7:83,155,224, plus strand): 5'-GTTGAGGTGGGGGCTTTGCTGGGCCAGGCTGTTGAGGTGGGGGCTTTGCTGGGCCAGGCA[G>T]TTGTGAAGGAGGCTTTGTTGGGCCAGTCTGCTGGGCAGAAGTCTTTCCGGGTCCTGCCTG-3'
Protein context (NP_149015.2, residues 463-483): QTGPTKPPSQ[Leu473Met]PGPAKPPPQQ